The following is an entry in ClinVar:

ClinVar aggregate classification (germline): Uncertain significance. Review status: criteria provided, single submitter (1 of 4 stars). 2 submissions from 2 submitters: Uncertain significance (1). 1 of the submissions does not count toward it. Last evaluated 2025-09-04.

Conditions:
Mucopolysaccharidosis, MPS-III-B (MPS3B). Also called: N-ACETYL-ALPHA-D-GLUCOSAMINIDASE DEFICIENCY; NAGLU DEFICIENCY; SANFILIPPO SYNDROME B; MPS III B; MPS IIIB (Sanfilippo Syndrome Type B); MUCOPOLYSACCHARIDOSIS, TYPE IIIB. Identifiers: Orphanet 79270, MedGen C0086648, MONDO:0009656, OMIM 252920.

Submissions (2):

Myriad Genetics, Inc.
Classification: Uncertain significance for Mucopolysaccharidosis, MPS-III-B. Last evaluated: 2025-09-04. Review status: criteria provided, single submitter. Criteria: Myriad Autosomal Dominant, Autosomal Recessive and X-Linked Classification Criteria (2023). Collection method: clinical testing. Allele origin: unknown.
Comment: NM_000263.3(NAGLU):c.39_41delTCT(L15del) is an in-frame deletion classified as a variant of uncertain significance in the context of mucopolysaccharidosis type IIIB. L15del has not been observed in cases with relevant disease. Relevant functional assessments of this variant are not available in the literature. L15del has not been observed in referenced population frequency databases. In summary, there is insufficient evidence to classify NM_000263.3(NAGLU):c.39_41delTCT(L15del) as pathogenic or benign. Please note: this variant was assessed in the context of healthy population screening.

Natera, Inc.
Classification: Uncertain significance for Mucopolysaccharidosis type IIIB. Last evaluated: 2025-03-16. Review status: no assertion criteria provided. Collection method: clinical testing. Allele origin: germline. Not counted in ClinVar's aggregate classification.

NM_000263.4(NAGLU):c.39_41del (p.Leu15del)

Genes: NAGLU (N-acetyl-alpha-glucosaminidase; plus strand), LOC130060903 (ATAC-STARR-seq lymphoblastoid silent region 8533; plus strand). Cytogenetic location: 17q21.2.
Variant type: Deletion.
Coding change: c.39_41del on transcript NM_000263.4 (MANE Select); coding-DNA positions 39 to 41, 3 bases deleted (TCT; older notation c.39_41delTCT).
Protein change: p.Leu15del; deletes leucine 15.
Genome position (GRCh38, 1-based): chr17:42,536,311-42,536,313, TCT deleted; deleting any 3 consecutive bases within chr17:42,536,309-42,536,313 gives the same sequence; the c. name uses the placement nearest the transcript's 3' end. VCF-style (leftmost placement, unchanged base first): chr17-42536308-CCTT-C. GRCh37 (hg19) VCF-style: chr17-40688326-CCTT-C.
Other names: short protein forms L15del.
Identifiers: ClinVar variation 4058277 (VCV004058277.2).